The following is an entry in ClinVar:

NM_007294.4(BRCA1):c.4185+3045del

Gene: BRCA1 (BRCA1 DNA repair associated; minus strand). Cytogenetic location: 17q21.31.
Variant type: Deletion.
Coding change: c.4185+3045del on transcript NM_007294.4 (MANE Select); 3045 bases into the intron after coding-DNA position 4185, one base deleted (A; older notation c.4185+3045delA).
Molecular consequence: intron variant.
Genome position (GRCh38, 1-based): chr17:43,087,899, T deleted on the plus strand (A on the coding strand, the reverse complement: BRCA1 is on the minus strand); the first of 13 consecutive T bases (chr17:43,087,899-43,087,911); deleting any one gives the same sequence. VCF-style (leftmost placement, unchanged base first): chr17-43087898-AT-A. GRCh37 (hg19) VCF-style: chr17-41239915-AT-A.
Other names: c.735+3045del (NM_001408458.1, NM_001408469.1, NM_001408453.1 and 11 more transcripts); c.3297+3045del (NM_001407967.1, NM_001407966.1); c.3804+3045del (NM_001407959.1, NM_001407963.1, NM_001407960.1); c.3918+3045del (NM_001407931.1, NM_001407932.1, NM_001407934.1 and 2 more transcripts); c.4041+3045del (NM_001407747.1, NM_001407848.1, NM_001407839.1 and 20 more transcripts); c.3801+3045del (NM_001407962.1); c.372+3045del (NM_001408512.1); c.495+3045del (NM_001408510.1); and 41 more.
Identifiers: ClinVar variation 264847 (VCV000264847.2), dbSNP rs144110800, ClinGen allele CA10588223.
Genomic context (GRCh38, chr17:43,087,898, plus strand): 5'-AATCCTACCCCAGCCACTCAAGTAGCTGAGACTACAGGTGTGCACCACTAAGCCTCACTA[AT>A]TTTTTTTTTTTTCCCAGACAGGGGTTGCCCAGAACAGAGTGCAGTAGCGTGATCACAACT-3'

ClinVar aggregate classification (germline): Benign (3 of 4 stars; one submission).

Conditions:
Breast-ovarian cancer, familial, susceptibility to, 1 (BROVCA1). Also called: BRCA1 Hereditary Breast and Ovarian Cancer; OVARIAN CANCER, SUSCEPTIBILITY TO. Identifiers: Orphanet 145, MedGen C2676676, MONDO:0011450, OMIM 604370. Disease mechanism: loss of function.

Submission:

Evidence-based Network for the Interpretation of Germline Mutant Alleles (ENIGMA)
Classification: Benign for Breast-ovarian cancer, familial, susceptibility to, 1. Last evaluated: 2016-09-28. Review status: reviewed by expert panel. Criteria: ENIGMA BRCA1/2 Classification Criteria (2015). Collection method: curation. Allele origin: germline.
Comment: Class 1 not pathogenic based on frequency >1% in an outbred sampleset. Frequency 0.2048 (European), 0.118 (African), 0.2594 (Admixed American/Latino), 0.0952 (East Asian), 0.3497 (South Asian), derived from 1000 genomes (2013-05-02).